The following is an entry in ClinVar:

ClinVar aggregate classification (germline): Uncertain significance (1 of 4 stars; one submission).

Conditions:
Hypertrophic cardiomyopathy 26. Also called: Cardiomyopathy, familial hypertrophic, 26. Identifiers: Orphanet 75249, MedGen C4310749, MONDO:0014883, OMIM 617047.
Distal myopathy with posterior leg and anterior hand involvement. Also called: WILLIAMS DISTAL MYOPATHY. Identifiers: Orphanet 63273, MedGen C3279722, MONDO:0013550, OMIM 614065.
Myofibrillar myopathy 5. Also called: Filaminopathy (type); FILAMINOPATHY, AUTOSOMAL DOMINANT. Identifiers: Orphanet 171445, MedGen C1836050, MONDO:0012289, OMIM 609524.

Submission:

Juno Genomics, Hangzhou Juno Genomics, Inc
Classification: Uncertain significance for Hypertrophic cardiomyopathy 26; Distal myopathy with posterior leg and anterior hand involvement; Myofibrillar myopathy 5. Review status: criteria provided, single submitter. Criteria: ACMG Guidelines, 2015. Collection method: clinical testing. Allele origin: germline.
Comment: Absent from controls (or at extremely low frequency if recessive) in Genome Aggregation Database.;Missense variant in a gene that has a low rate of benign missense variation.

NM_001458.5(FLNC):c.1030G>A (p.Val344Ile)

Gene: FLNC (filamin C; plus strand). Cytogenetic location: 7q32.1.
Variant type: single nucleotide variant.
Coding change: c.1030G>A on transcript NM_001458.5 (MANE Select); coding-DNA position 1030, G replaced by A.
Protein change: p.Val344Ile; replaces valine 344 with isoleucine.
Molecular consequence: missense variant.
Genome position (GRCh38, 1-based): chr7:128,838,047, G>A. VCF-style: chr7-128838047-G-A. GRCh37 (hg19) VCF-style: chr7-128478101-G-A.
Other names: c.1030G>A, p.Val344Ile (NM_001127487.2); short protein forms V344I.
Identifiers: ClinVar variation 5007153 (VCV005007153.2).